The following is an entry in ClinVar:

NM_001349798.2(FBXW7):c.1210A>G (p.Lys404Glu)

Gene: FBXW7 (F-box and WD repeat domain containing 7; minus strand). Cytogenetic location: 4q31.3.
Variant type: single nucleotide variant.
Coding change: c.1210A>G on transcript NM_001349798.2 (MANE Select); coding-DNA position 1210, A replaced by G.
Protein change: p.Lys404Glu; replaces lysine 404 with glutamic acid.
Molecular consequence: missense variant.
Genome position (GRCh38, 1-based): chr4:152,329,698, T>C on the plus strand (A>G on the coding strand, the complement: FBXW7 is on the minus strand). VCF-style: chr4-152329698-T-C. GRCh37 (hg19) VCF-style: chr4-153250850-T-C.
Other names: c.856A>G, p.Lys286Glu (NM_001013415.2); c.970A>G, p.Lys324Glu (NM_018315.5); c.1210A>G, p.Lys404Glu (NM_033632.3); short protein forms K286E, K324E, K404E.
Identifiers: ClinVar variation 4976301 (VCV004976301.1).

ClinVar aggregate classification (germline): Uncertain significance (1 of 4 stars; one submission).

Submission:

GeneDx
Classification: Uncertain significance. Last evaluated: 2026-02-10. Review status: criteria provided, single submitter. Criteria: GeneDx Variant Classification Process June 2021. Collection method: clinical testing. Allele origin: germline.
Comment: Not observed at significant frequency in large population cohorts (gnomAD); In silico analysis supports that this missense variant has a deleterious effect on protein structure/function; Has not been previously published as pathogenic or benign to our knowledge